The following is an entry in ClinVar:

ClinVar aggregate classification (germline): Uncertain significance. Review status: criteria provided, multiple submitters, no conflicts (2 of 4 stars). 2 submissions from 2 submitters: Uncertain significance (2). Last evaluated 2025-09-08.

Conditions:
Inborn genetic diseases. Identifiers: MedGen C0950123, MeSH D030342.

Submissions (2):

Labcorp Genetics (formerly Invitae), Labcorp
Classification: Uncertain significance. Last evaluated: 2025-09-08. Review status: criteria provided, single submitter. Criteria: Invitae Variant Classification Sherloc (09022015). Collection method: clinical testing. Allele origin: germline.
Comment: This sequence change replaces isoleucine, which is neutral and non-polar, with serine, which is neutral and polar, at codon 1223 of the PCDH15 protein (p.Ile1223Ser). This variant is not present in population databases (gnomAD no frequency). This variant has not been reported in the literature in individuals affected with PCDH15-related conditions. ClinVar contains an entry for this variant (Variation ID: 1950013). Invitae Evidence Modeling of protein sequence and biophysical properties (such as structural, functional, and spatial information, amino acid conservation, physicochemical variation, residue mobility, and thermodynamic stability) indicates that this missense variant is not expected to disrupt PCDH15 protein function with a negative predictive value of 95%. In summary, the available evidence is currently insufficient to determine the role of this variant in disease. Therefore, it has been classified as a Variant of Uncertain Significance.

Ambry Genetics
Classification: Uncertain significance for Inborn genetic diseases. Last evaluated: 2024-11-20. Review status: criteria provided, single submitter. Criteria: Ambry Variant Classification Scheme 2023. Collection method: clinical testing. Allele origin: germline.

NM_001384140.1(PCDH15):c.3668T>G (p.Ile1223Ser)

Gene: PCDH15 (protocadherin related 15; minus strand). Cytogenetic location: 10q21.1.
Variant type: single nucleotide variant.
Coding change: c.3668T>G on transcript NM_001384140.1 (MANE Select); coding-DNA position 3668, T replaced by G.
Protein change: p.Ile1223Ser; replaces isoleucine 1223 with serine.
Molecular consequence: missense variant.
Genome position (GRCh38, 1-based): chr10:53,866,691, A>C on the plus strand (T>G on the coding strand, the complement: PCDH15 is on the minus strand). VCF-style: chr10-53866691-A-C. GRCh37 (hg19) VCF-style: chr10-55626451-A-C.
Other names: c.3683T>G, p.Ile1228Ser (NM_001142763.2, NM_001142771.2); c.3668T>G, p.Ile1223Ser (NM_001142764.2, NM_001142766.2, NM_001142770.3 and 4 more transcripts); c.3455T>G, p.Ile1152Ser (NM_001142765.2); c.3557T>G, p.Ile1186Ser (NM_001142767.2); c.3602T>G, p.Ile1201Ser (NM_001142768.2, NM_001142773.2, NM_001354404.2); c.3704T>G, p.Ile1235Ser (NM_001142769.4); c.3689T>G, p.Ile1230Ser (NM_001354411.2); short protein forms I1228S, I1201S, I1223S, I1235S, I1230S, I1152S, I1186S.
Identifiers: ClinVar variation 1950013 (VCV001950013.4), dbSNP rs2493334766, ClinGen allele CA376516674.